The following is an entry in ClinVar:

NM_001349253.2(SCN11A):c.3567G>T (p.Trp1189Cys)

Genes: SCN11A (sodium voltage-gated channel alpha subunit 11; minus strand), LOC126806652 (CDK7 strongly-dependent group 2 enhancer GRCh37_chr3:38912374-38913573; plus strand). Cytogenetic location: 3p22.2.
Variant type: single nucleotide variant.
Coding change: c.3567G>T on transcript NM_001349253.2 (MANE Select); coding-DNA position 3567, G replaced by T.
Protein change: p.Trp1189Cys; replaces tryptophan 1189 with cysteine.
Molecular consequence: missense variant.
Genome position (GRCh38, 1-based): chr3:38,871,637, C>A on the plus strand (G>T on the coding strand, the complement: SCN11A is on the minus strand). VCF-style: chr3-38871637-C-A. GRCh37 (hg19) VCF-style: chr3-38913128-C-A.
Other names: c.3567G>T, p.Trp1189Cys (NM_014139.3); short protein forms W1189C.
Identifiers: ClinVar variation 2935631 (VCV002935631.3), dbSNP rs1553633803, ClinGen allele CA352171080.

ClinVar aggregate classification (germline): Uncertain significance (1 of 4 stars; one submission).

Conditions:
Familial episodic pain syndrome with predominantly lower limb involvement. Also called: Episodic pain syndrome, familial, 3. Identifiers: Orphanet 391384, Orphanet 391392, MedGen C3809899, MONDO:0014247, OMIM 615552.
Hereditary sensory and autonomic neuropathy type 7. Also called: HSAN VII; Neuropathy, hereditary sensory and autonomic, type VII. Identifiers: Orphanet 391397, MedGen C3809882, MONDO:0014244, OMIM 615548.

Allele frequency attached by ClinVar (database versions not stated): gnomAD exomes below 0.00001.
gnomAD v4.1: 2 of 1,612,498 alleles (0.00012%); highest among the groups gnomAD compares: Non-Finnish European, 0.00017%; no homozygotes.

Submission:

Labcorp Genetics (formerly Invitae), Labcorp
Classification: Uncertain significance for Familial episodic pain syndrome with predominantly lower limb involvement; Hereditary sensory and autonomic neuropathy type 7. Last evaluated: 2024-01-11. Review status: criteria provided, single submitter. Criteria: Invitae Variant Classification Sherloc (09022015). Collection method: clinical testing. Allele origin: germline.
Comment: This sequence change replaces tryptophan, which is neutral and slightly polar, with cysteine, which is neutral and slightly polar, at codon 1189 of the SCN11A protein (p.Trp1189Cys). This variant is not present in population databases (gnomAD no frequency). This variant has not been reported in the literature in individuals affected with SCN11A-related conditions. Advanced modeling of protein sequence and biophysical properties (such as structural, functional, and spatial information, amino acid conservation, physicochemical variation, residue mobility, and thermodynamic stability) performed at Invitae indicates that this missense variant is expected to disrupt SCN11A protein function with a positive predictive value of 80%. In summary, the available evidence is currently insufficient to determine the role of this variant in disease. Therefore, it has been classified as a Variant of Uncertain Significance.